The following is an entry in ClinVar:

NM_000245.4(MET):c.742A>G (p.Lys248Glu)

Gene: MET (MET proto-oncogene, receptor tyrosine kinase; plus strand). Cytogenetic location: 7q31.2.
Variant type: single nucleotide variant.
Coding change: c.742A>G on transcript NM_000245.4 (MANE Select); coding-DNA position 742, A replaced by G.
Protein change: p.Lys248Glu; replaces lysine 248 with glutamic acid.
Molecular consequence: missense variant. On other transcripts: intron variant (1).
Genome position (GRCh38, 1-based): chr7:116,699,826, A>G. VCF-style: chr7-116699826-A-G. GRCh37 (hg19) VCF-style: chr7-116339880-A-G.
Other names: c.742A>G, p.Lys248Glu (NM_001127500.3, NM_001324401.3); c.-91+27249A>G (NM_001324402.2); short protein forms K248E.
Identifiers: ClinVar variation 2567707 (VCV002567707.2), dbSNP rs2116596700, ClinGen allele CA368969747.
Genomic context (GRCh38, chr7:116,699,826, plus strand): 5'-TTTTTGACGGACCAGTCCTACATTGATGTTTTACCTGAGTTCAGAGATTCTTACCCCATT[A>G]AGTATGTCCATGCCTTTGAAAGCAACAATTTTATTTACTTCTTGACGGTCCAAAGGGAAA-3'
Protein context (NP_000236.2, residues 238-258): LPEFRDSYPI[Lys248Glu]YVHAFESNNF

ClinVar aggregate classification (germline): Uncertain significance (1 of 4 stars; one submission).

Conditions:
Hereditary cancer-predisposing syndrome. Also called: Hereditary neoplastic syndrome; Hereditary Cancer Syndrome; Neoplastic Syndromes, Hereditary; Tumor predisposition. Identifiers: Orphanet 140162, MedGen C0027672, MeSH D009386, MONDO:0015356.

Submission:

Ambry Genetics
Classification: Uncertain significance for Hereditary cancer-predisposing syndrome. Last evaluated: 2023-05-27. Review status: criteria provided, single submitter. Criteria: Ambry Variant Classification Scheme 2023. Collection method: clinical testing. Allele origin: germline.
Comment: The p.K248E variant (also known as c.742A>G), located in coding exon 1 of the MET gene, results from an A to G substitution at nucleotide position 742. The lysine at codon 248 is replaced by glutamic acid, an amino acid with similar properties. This amino acid position is conserved. In addition, this alteration is predicted to be tolerated by in silico analysis. Since supporting evidence is limited at this time, the clinical significance of this alteration remains unclear.